The following is an entry in ClinVar:

NM_005216.5(DDOST):c.457-14T>A

Gene: DDOST (dolichyl-diphosphooligosaccharide--protein glycosyltransferase non-catalytic subunit; minus strand). Cytogenetic location: 1p36.12.
Variant type: single nucleotide variant.
Coding change: c.457-14T>A on transcript NM_005216.5 (MANE Select); 14 bases into the intron before coding-DNA position 457, T replaced by A.
Molecular consequence: intron variant.
Genome position (GRCh38, 1-based): chr1:20,655,548, A>T on the plus strand (T>A on the coding strand, the complement: DDOST is on the minus strand). VCF-style: chr1-20655548-A-T. GRCh37 (hg19) VCF-style: chr1-20982041-A-T.
Identifiers: ClinVar variation 295148 (VCV000295148.3), dbSNP rs373001976, ClinGen allele CA661226.
Genomic context (GRCh38, chr1:20,655,548, plus strand): 5'-GTTGGGGCCTTCAGCAGGTTCTCAGTGTCAGCCACGATGAGCGTATGCTGCAAAGAGTAG[A>T]TGGAAAGGTGGGTGGTCAGGAAAAGGTTCCCCAAGCCAGGGAGAACCTCCTCACACCCTC-3'

ClinVar aggregate classification (germline): Likely benign. Review status: criteria provided, multiple submitters, no conflicts (2 of 4 stars). 2 submissions from 2 submitters: Likely benign (2). Last evaluated 2024-10-06.

Conditions:
Congenital disorder of glycosylation type Ir (CDG1R). Also called: DDOST-congenital disorder of glycosylation. Identifiers: Orphanet 300536, MedGen C3281084, MONDO:0013789, OMIM 614507.

Allele frequency attached by ClinVar (database versions not stated): gnomAD exomes 0.00004 and 0.00017; ExAC 0.00006; ESP Exome Variant Server 0.00008; gnomAD 0.00009; TOPMed 0.00013.
gnomAD v4.1: 270 of 1,612,578 alleles (0.017%); highest among the groups gnomAD compares: Non-Finnish European, 0.021%; no homozygotes.

Submissions (2):

Labcorp Genetics (formerly Invitae), Labcorp
Classification: Likely benign for Congenital disorder of glycosylation type Ir. Last evaluated: 2024-10-06. Review status: criteria provided, single submitter. Criteria: Invitae Variant Classification Sherloc (09022015). Collection method: clinical testing. Allele origin: germline.

GeneDx
Classification: Likely benign. Last evaluated: 2017-09-06. Review status: criteria provided, single submitter. Criteria: GeneDx Variant Classification (06012015). Collection method: clinical testing. Allele origin: germline. Affected: yes.
Comment: This variant is considered likely benign or benign based on one or more of the following criteria: it is a conservative change, it occurs at a poorly conserved position in the protein, it is predicted to be benign by multiple in silico algorithms, and/or has population frequency not consistent with disease.